The following is an entry in ClinVar:

NM_001375524.1(TRRAP):c.11510A>G (p.His3837Arg)

Gene: TRRAP (transformation/transcription domain associated protein; plus strand). Cytogenetic location: 7q22.1.
Variant type: single nucleotide variant.
Coding change: c.11510A>G on transcript NM_001375524.1 (MANE Select); coding-DNA position 11510, A replaced by G.
Protein change: p.His3837Arg; replaces histidine 3837 with arginine.
Molecular consequence: missense variant.
Genome position (GRCh38, 1-based): chr7:99,012,243, A>G. VCF-style: chr7-99012243-A-G. GRCh37 (hg19) VCF-style: chr7-98609866-A-G.
Other names: c.11468A>G, p.His3823Arg (NM_001244580.2); c.11381A>G, p.His3794Arg (NM_003496.4); short protein forms H3794R, H3823R, H3837R.
Identifiers: ClinVar variation 1314721 (VCV001314721.3), dbSNP rs1794463790, ClinGen allele CA368344802.
Genomic context (GRCh38, chr7:99,012,243, plus strand): 5'-ACAGCCAGCAACTGGTGTCCCTGGTTCAGAAAGCCGTCACCGCCATCATGACCCGCCTGC[A>G]CAACCTCGCCCAGTTCGAAGGCGGGGAAAGCAAGGTGAACACCCTGGTGGCCGCGGCAAA-3'
Protein context (NP_001362453.1, residues 3827-3847): KAVTAIMTRL[His3837Arg]NLAQFEGGES

ClinVar aggregate classification (germline): Uncertain significance (1 of 4 stars; one submission).

Submission:

GeneDx
Classification: Uncertain significance. Last evaluated: 2026-08-10. Review status: criteria provided, single submitter. Criteria: GeneDx Variant Classification Process June 2021. Collection method: clinical testing. Allele origin: germline.
Comment: Not observed at significant frequency in large population cohorts (gnomAD); In silico analysis suggests that this missense variant does not alter protein structure/function; Has not been previously published as pathogenic or benign to our knowledge